The following is an entry in ClinVar:

ClinVar aggregate classification (germline): Pathogenic (1 of 4 stars; one submission).

Conditions:
Nemaline myopathy 2 (NEM2). Also called: Nemaline myopathy 2, autosomal recessive. Identifiers: MedGen C1850569, MONDO:0009725, OMIM 256030.

Submission:

Labcorp Genetics (formerly Invitae), Labcorp
Classification: Pathogenic for Nemaline myopathy 2. Last evaluated: 2024-05-14. Review status: criteria provided, single submitter. Criteria: Invitae Variant Classification Sherloc (09022015). Collection method: clinical testing. Allele origin: germline.
Comment: This sequence change creates a premature translational stop signal (p.Glu22Argfs*7) in the NEB gene. It is expected to result in an absent or disrupted protein product. Loss-of-function variants in NEB are known to be pathogenic (PMID: 25205138). This variant is not present in population databases (gnomAD no frequency). This variant has not been reported in the literature in individuals affected with NEB-related conditions. ClinVar contains an entry for this variant (Variation ID: 1071128). Algorithms developed to predict the effect of sequence changes on RNA splicing suggest that this variant may disrupt the consensus splice site. For these reasons, this variant has been classified as Pathogenic.

Literature cited by the submitters: PubMed 25205138.

NM_001164508.2(NEB):c.63del (p.Glu22fs)

Gene: NEB (nebulin; minus strand). Cytogenetic location: 2q23.3.
Variant type: Deletion.
Coding change: c.63del on transcript NM_001164508.2 (MANE Select); coding-DNA position 63, one base deleted (A; older notation c.63delA).
Protein change: p.Glu22fs; shifts the reading frame from glutamic acid 22.
Molecular consequence: frameshift variant.
Genome position (GRCh38, 1-based): chr2:151,729,630, T deleted on the plus strand (A on the coding strand, the reverse complement: NEB is on the minus strand); the first of 2 consecutive T bases (chr2:151,729,630-151,729,631); deleting either gives the same sequence. VCF-style (leftmost placement, unchanged base first): chr2-151729629-CT-C. GRCh37 (hg19) VCF-style: chr2-152586143-CT-C.
Other names: c.63del, p.Glu22fs (NM_001164507.2, NM_001271208.2, NM_004543.5); short protein forms E22fs.
Identifiers: ClinVar variation 1071128 (VCV001071128.7), dbSNP rs2150994126, ClinGen allele CA2499215134.